The following is an entry in ClinVar:

ClinVar aggregate classification (germline): Uncertain significance (1 of 4 stars; one submission).

Conditions:
Inborn genetic diseases. Identifiers: MedGen C0950123, MeSH D030342.

Submission:

Ambry Genetics
Classification: Uncertain significance for Inborn genetic diseases. Last evaluated: 2025-05-27. Review status: criteria provided, single submitter. Criteria: Ambry Variant Classification Scheme 2023. Collection method: clinical testing. Allele origin: germline.
Comment: The c.568C>T (p.P190S) alteration is located in exon 4 (coding exon 4) of the PPP2CA gene. This alteration results from a C to T substitution at nucleotide position 568, causing the proline (P) at amino acid position 190 to be replaced by a serine (S). This variant was not reported in population-based cohorts in the Genome Aggregation Database (gnomAD). This amino acid position is highly conserved in available vertebrate species. This missense alteration is located in a region that has a low rate of benign missense variation (Lek, 2016; Firth, 2009). The in silico prediction for this alteration is inconclusive. Based on insufficient or conflicting evidence, the clinical significance of this alteration remains unclear.

NM_002715.4(PPP2CA):c.568C>T (p.Pro190Ser)

Gene: PPP2CA (protein phosphatase 2 catalytic subunit alpha; minus strand). Cytogenetic location: 5q31.1.
Variant type: single nucleotide variant.
Coding change: c.568C>T on transcript NM_002715.4 (MANE Select); coding-DNA position 568, C replaced by T.
Protein change: p.Pro190Ser; replaces proline 190 with serine.
Molecular consequence: missense variant. On other transcripts: non-coding transcript variant (1).
Genome position (GRCh38, 1-based): chr5:134,200,993, G>A on the plus strand (C>T on the coding strand, the complement: PPP2CA is on the minus strand). VCF-style: chr5-134200993-G-A. GRCh37 (hg19) VCF-style: chr5-133536684-G-A.
Other names: c.373C>T, p.Pro125Ser (NM_001355019.2); short protein forms P125S, P190S.
Identifiers: ClinVar variation 3937208 (VCV003937208.1).